The following is an entry in ClinVar:

ClinVar aggregate classification (germline): Uncertain significance (1 of 4 stars; one submission).

Submission:

GeneDx
Classification: Uncertain significance. Last evaluated: 2024-07-27. Review status: criteria provided, single submitter. Criteria: GeneDx Variant Classification Process June 2021. Collection method: clinical testing. Allele origin: germline. Affected: yes.
Comment: Not observed at significant frequency in large population cohorts (gnomAD); In silico analysis supports that this missense variant has a deleterious effect on protein structure/function; Has not been previously published as pathogenic or benign to our knowledge

NM_014974.3(DIP2C):c.145C>G (p.Pro49Ala)

Gene: DIP2C (disco interacting protein 2 homolog C; minus strand). Cytogenetic location: 10p15.3.
Variant type: single nucleotide variant.
Coding change: c.145C>G on transcript NM_014974.3 (MANE Select); coding-DNA position 145, C replaced by G.
Protein change: p.Pro49Ala; replaces proline 49 with alanine.
Molecular consequence: missense variant.
Genome position (GRCh38, 1-based): chr10:486,471, G>C on the plus strand (C>G on the coding strand, the complement: DIP2C is on the minus strand). VCF-style: chr10-486471-G-C. GRCh37 (hg19) VCF-style: chr10-532411-G-C.
Other names: short protein forms P49A.
Identifiers: ClinVar variation 3600606 (VCV003600606.1).
Genomic context (GRCh38, chr10:486,471, plus strand): 5'-TGAATGCGGGAAATGAGAGGACTCATGCTACTCATGGGGGTTACCTACTCGGAGGCTGCG[G>C]AAGGTAGGCTCCAATTAACTTTGACCTCTTCTTTTCATATCCTTTTTGTGTGATGTCACC-3'
Protein context (NP_055789.1, residues 39-59): KRSKLIGAYL[Pro49Ala]QPPRVDQALP